The following is an entry in ClinVar:

ClinVar aggregate classification (germline): Uncertain significance (1 of 4 stars; one submission).

Allele frequency attached by ClinVar (database versions not stated): gnomAD exomes below 0.00001; TOPMed below 0.00001; ExAC 0.00001.
gnomAD v4.1: 4 of 1,176,691 alleles (0.00034%); highest among the groups gnomAD compares: South Asian, 0.006%; no homozygotes.

Submission:

Labcorp Genetics (formerly Invitae), Labcorp
Classification: Uncertain significance. Last evaluated: 2022-10-31. Review status: criteria provided, single submitter. Criteria: Invitae Variant Classification Sherloc (09022015). Collection method: clinical testing. Allele origin: germline.
Comment: In summary, the available evidence is currently insufficient to determine the role of this variant in disease. Therefore, it has been classified as a Variant of Uncertain Significance. Advanced modeling of protein sequence and biophysical properties (such as structural, functional, and spatial information, amino acid conservation, physicochemical variation, residue mobility, and thermodynamic stability) performed at Invitae indicates that this missense variant is not expected to disrupt DRP2 protein function. This variant has not been reported in the literature in individuals affected with DRP2-related conditions. This variant is not present in population databases (gnomAD no frequency). This sequence change replaces alanine, which is neutral and non-polar, with proline, which is neutral and non-polar, at codon 127 of the DRP2 protein (p.Ala127Pro).

NM_001939.3(DRP2):c.379G>C (p.Ala127Pro)

Gene: DRP2 (dystrophin related protein 2; plus strand). Cytogenetic location: Xq22.1.
Variant type: single nucleotide variant.
Coding change: c.379G>C on transcript NM_001939.3 (MANE Select); coding-DNA position 379, G replaced by C.
Protein change: p.Ala127Pro; replaces alanine 127 with proline.
Molecular consequence: missense variant.
Genome position (GRCh38, 1-based): chrX:101,237,716, G>C. VCF-style: chrX-101237716-G-C. GRCh37 (hg19) VCF-style: chrX-100492705-G-C.
Other names: c.145G>C, p.Ala49Pro (NM_001171184.2); short protein forms A127P, A49P.
Identifiers: ClinVar variation 3016753 (VCV003016753.3), dbSNP rs757466405, ClinGen allele CA10472055.
Genomic context (GRCh38, chrX:101,237,716, plus strand): 5'-CTTCAGCTCCCTCTTCAAGAGATTATTGACTGGCTCAGCCAAAAGGATGAGGAGTTGTCA[G>C]CTCAGCTGCCCCTACAGGGGGATGTGGCCCTGGTGCAACAGGAGAAGGAGACACATGCGG-3'
Protein context (NP_001930.2, residues 117-137): WLSQKDEELS[Ala127Pro]QLPLQGDVAL